The following is an entry in ClinVar:

NM_001739.2(CA5A):c.271T>C (p.Ser91Pro)

Gene: CA5A (carbonic anhydrase 5A; minus strand). Cytogenetic location: 16q24.2.
Variant type: single nucleotide variant.
Coding change: c.271T>C on transcript NM_001739.2 (MANE Select); coding-DNA position 271, T replaced by C.
Protein change: p.Ser91Pro; replaces serine 91 with proline.
Molecular consequence: missense variant. On other transcripts: non-coding transcript variant (2).
Genome position (GRCh38, 1-based): chr16:87,926,817, A>G on the plus strand (T>C on the coding strand, the complement: CA5A is on the minus strand). VCF-style: chr16-87926817-A-G. GRCh37 (hg19) VCF-style: chr16-87960423-A-G.
Other names: c.271T>C, p.Ser91Pro (NM_001367225.1); short protein forms S91P.
Identifiers: ClinVar variation 863557 (VCV000863557.10), dbSNP rs557776920, ClinGen allele CA8223564.
Genomic context (GRCh38, chr16:87,926,817, plus strand): 5'-CGGTGGCATCGTCAAATTCCACCTGGAAGAGGTAGCCAGTGTTCCAGATGTACAGGCAGG[A>G]TGCCGCTTCATAGGAGACCCTGAGTGGCTTCAGCTGGGGGTCATAGACGCTGTCCCTCCA-3'
Protein context (NP_001730.1, residues 81-101): KPLRVSYEAA[Ser91Pro]CLYIWNTGYL

ClinVar aggregate classification (germline): Uncertain significance (1 of 4 stars; one submission).

Conditions:
Hyperammonemic encephalopathy due to carbonic anhydrase VA deficiency. Also called: Carbonic Anhydrase VA Deficiency; Carbonic anhydrase VA deficiency, hyperammonemia due to. Identifiers: Orphanet 401948, MedGen C4706871, MONDO:0014332, OMIM 615751.

Allele frequency attached by ClinVar (database versions not stated): ExAC 0.00001; gnomAD exomes 0.00001 and 0.00004; TOPMed 0.00001; 1000 Genomes Project 0.00020; 1000 Genomes Project 30x 0.00031.
gnomAD v4.1: 11 of 1,614,210 alleles (0.00068%); highest among the groups gnomAD compares: Admixed American, 0.017%; no homozygotes.

Submission:

Labcorp Genetics (formerly Invitae), Labcorp
Classification: Uncertain significance for Hyperammonemic encephalopathy due to carbonic anhydrase VA deficiency. Last evaluated: 2019-11-23. Review status: criteria provided, single submitter. Criteria: Invitae Variant Classification Sherloc (09022015). Collection method: clinical testing. Allele origin: germline.
Comment: This sequence change replaces serine with proline at codon 91 of the CA5A protein (p.Ser91Pro). The serine residue is weakly conserved and there is a moderate physicochemical difference between serine and proline. This variant is present in population databases (rs557776920, ExAC 0.002%). This variant has not been reported in the literature in individuals with CA5A-related conditions. Algorithms developed to predict the effect of missense changes on protein structure and function are either unavailable or do not agree on the potential impact of this missense change (SIFT: "Tolerated"; PolyPhen-2: "Probably Damaging"; Align-GVGD: "Class C0"). In summary, the available evidence is currently insufficient to determine the role of this variant in disease. Therefore, it has been classified as a Variant of Uncertain Significance.